The following is an entry in ClinVar:

ClinVar aggregate classification (germline): Conflicting classifications of pathogenicity. Review status: criteria provided, conflicting classifications (1 of 4 stars). 10 submissions from 9 submitters: Uncertain significance (3); Benign (1); Likely benign (2). 4 of the submissions do not count toward it. Last evaluated 2026-10-08.

Conditions:
Testicular anomalies with or without congenital heart disease (TACHD). Identifiers: Orphanet 251510, MedGen C3809858, MONDO:0014239, OMIM 615542.
Atrial septal defect 2 (ASD2). Identifiers: Orphanet 1478, MedGen C1842778, MONDO:0011938, OMIM 607941.
Ventricular septal defect 1 (VSD1). Identifiers: MedGen C3280777, MONDO:0013746, OMIM 614429.
Atrioventricular septal defect 4 (AVSD4). Identifiers: MedGen C3280781, MONDO:0013747, OMIM 614430.
46,XY sex reversal 3. Also called: NR5A1-related 46,XY complete gonadal dysgenesis; 46,XY GONADAL DYSGENESIS, PARTIAL OR COMPLETE, WITH OR WITHOUT ADRENAL FAILURE; DISORDER OF SEX DEVELOPMENT, 46,XY, NR5A1-RELATED; SEX REVERSAL, XY, WITH OR WITHOUT ADRENAL FAILURE; 46,XY SEX REVERSAL, PARTIAL OR COMPLETE, NR5A1-RELATED. Identifiers: MedGen C3489793, MONDO:0013066, OMIM 612965.
Tetralogy of Fallot (TOF). Identifiers: Orphanet 3303, MedGen C0039685, MONDO:0008542, OMIM 187500, HP:0001636.
Microcephaly. Also called: Microcephaly (disease). Identifiers: MedGen C4551563, MONDO:0001149, HP:0000252.

Allele frequency attached by ClinVar (database versions not stated): 1000 Genomes Project 0.00120; TOPMed 0.00025; 1000 Genomes Project 30x 0.00094; gnomAD 0.00010; ESP Exome Variant Server 0.00015.
gnomAD v4.1: 615 of 1,614,222 alleles (0.038%); highest among the groups gnomAD compares: East Asian, 0.76%; 1 homozygote.

Submissions (10):

GeneDx
Classification: Uncertain significance. Last evaluated: 2026-10-08. Review status: criteria provided, single submitter. Criteria: GeneDx Variant Classification Process June 2021. Collection method: clinical testing. Allele origin: germline.
Comment: Identified in association with early onset diabetes and variations of sex characteristics, including individuals without heart anomalies (PMID: 27899157, 27810688, 29735817); Identified in two siblings with developmental delay, epilepsy, and neonatal diabetes (DEND) syndrome who where compound heterozygous for two NARS2 variants (PMID: 35703918); Functional studies show inconsistent data, including one study that found p.(P407Q) results in ~50% reduction in transactivation compared to wild type protein whereas another study showed protein behavior similar to wild type (PMID: 29735817, 31962012); In silico analysis supports that this missense variant has a deleterious effect on protein structure/function; Identified in several individuals with congenital heart defects (PMID: 21110066, 18672102, 21631294, 19678963, 20654103, 26490186, 28372585, 28161810, 30152191, 31115957, 38456293); This variant is associated with the following publications: (PMID: 19678963, 26490186, 24583203, 21110066, 20654103, 20592452, 22648249, 22959235, 26997702, 27899157, 28161810, 28372585, 29735817, 30152191, 31115957, 21631294, 31513339, 31962012, 34426522, 32508047, 27810688, 18672102, 35703918, 35863714, 35047139, 38375489, 38456293, 38274337, Shanthithadda_2025_Article, 20981092)

Labcorp Genetics (formerly Invitae), Labcorp
Classification: Benign for Atrioventricular septal defect 4. Last evaluated: 2026-01-25. Review status: criteria provided, single submitter. Criteria: Invitae Variant Classification Sherloc (09022015). Collection method: clinical testing. Allele origin: germline.

Blueprint Genetics
Classification: Likely benign. Last evaluated: 2024-11-13. Review status: criteria provided, single submitter. Criteria: ACMG Guidelines, 2015. Collection method: clinical testing. Allele origin: germline.

Victorian Clinical Genetics Services, Murdoch Childrens Research Institute
Classification: Likely benign for Testicular anomalies with or without congenital heart disease. Last evaluated: 2021-05-06. Review status: criteria provided, single submitter. Criteria: ACMG Guidelines, 2015. Collection method: clinical testing. Allele origin: germline. Inheritance: Autosomal dominant inheritance.
Comment: Based on the classification scheme VCGS_Germline_v1.3.4, this variant is classified as Likely Benign. Following criteria are met: 0102 - Loss of function is a known mechanism of disease in this gene and is associated with GATA4-related cardiac disease. (I) 0107 - This gene is associated with autosomal dominant disease. A number a different cardiac conditions are caused by variants in GATA4, however association with differences of sex development (DSD) is not well-established (OMIM). (I) 0200 - Variant is predicted to result in a missense amino acid change from proline to glutamine. (I) 0251 - This variant is heterozygous. (I) 0308 - Population frequency for this variant is out of keeping with known incidence of GATA4-related cardiac disease (gnomAD (v2) 132 heterozygotes, 0 homozygotes). (SB) 0309 - An alternative amino acid change at the same position has been observed in gnomAD (v2) (17 heterozygotes, 0 homozygotes). (I) 0502 - Missense variant with conflicting in silico predictions and uninformative conservation. (I) 0600 - Variant is located in the annotated zinc finger DNA binding domain (NCBI). (I) 0710 - Other missense variants comparable to the one identified in this case have inconclusive previous evidence for pathogenicity. Alternative changes at the same residue, to alanine and arginine, have previously been classified as VUS in relation to atrioventricular septal defect (ClinVar). (I) 0808 - Previous reports of pathogenicity for this variant are conflicting for both cardiac and DSD conditions, however more recent reports consistently report the variant as benign in relation to DSD (ClinVar, LOVD, HGMD, OMIM, PMID: 32992319). (I) 1208 - Inheritance information for this variant is not currently available in this individual. (I) Legend: (SP) - Supporting pathogenic, (I) - Information, (SB) - Supporting benign

Laboratory for Molecular Medicine, Mass General Brigham Personalized Medicine
Classification: Uncertain significance. Last evaluated: 2019-01-31. Review status: criteria provided, single submitter. Criteria: LMM Criteria. Collection method: clinical testing. Allele origin: germline. Observed: 1 variant allele.
Comment: Variant classified as Uncertain Significance - Favor Benign. Disclaimer: This variant has not undergone full assessment. The following are preliminary notes: Reported in 1 TOF patient (sporadic) (Zhang 2008), in 3 individuals (het) with disorders of sexual develpment (Eggers 2016). Liu 2017 further reported this variant in 4/600 patients with conotruncal heart defects and 1/300 controls. Qian 2017 reported the variant in 2 individuals with TOF and POF (also carried V380M, previously associated with VSD))). Identified in 0.3% of East Asian chromosomes in gnomAD. Present in ClinVar (ID 30103) with conflicting interpretations (B, Uncertain significance).

Soonchunhyang University Bucheon Hospital, Soonchunhyang University Medical Center
Classification: Uncertain significance for Atrial septal defect 2; Atrioventricular septal defect 4; Ventricular septal defect 1. Last evaluated: 2016-03-18. Review status: criteria provided, single submitter. Criteria: ACMG Guidelines, 2015. Collection method: reference population. Allele origin: germline. Observed: 3 variant alleles.

Reproductive Development, Murdoch Childrens Research Institute
Classification: Benign for 46,XY disorder of sex development. Last evaluated: 2019-08-26. Review status: no assertion criteria provided. Collection method: research. Allele origin: germline. Affected: yes. Not counted in ClinVar's aggregate classification.

OMIM
Classification: Pathogenic for TETRALOGY OF FALLOT. Last evaluated: 2010-12-01. Review status: no assertion criteria provided. Collection method: literature only. Allele origin: germline. Not counted in ClinVar's aggregate classification.

OMIM
Classification: Pathogenic for VENTRICULAR SEPTAL DEFECT 1. Last evaluated: 2010-12-01. Review status: no assertion criteria provided. Collection method: literature only. Allele origin: germline. Not counted in ClinVar's aggregate classification.

Department of Pediatrics, Samsung Medical Center, Samsung Medical Center
Classification: Uncertain significance for Microcephaly. Review status: no assertion criteria provided. Criteria: ACMG Guidelines, 2015. Collection method: research. Allele origin: germline. Affected: yes. Not counted in ClinVar's aggregate classification.

Literature cited by the submitters: PubMed 32992319 (cited by Victorian Clinical Genetics Services, Murdoch Childrens Research Institute); PubMed 18672102 (cited by 3 submitters); PubMed 19678963 (cited by Laboratory for Molecular Medicine, Mass General Brigham Personalized Medicine); PubMed 26490186 (cited by Laboratory for Molecular Medicine, Mass General Brigham Personalized Medicine); PubMed 26997702 (cited by Laboratory for Molecular Medicine, Mass General Brigham Personalized Medicine); PubMed 21519287 (cited by Laboratory for Molecular Medicine, Mass General Brigham Personalized Medicine); PubMed 19302747 (cited by Laboratory for Molecular Medicine, Mass General Brigham Personalized Medicine); PubMed 21110066 (cited by Laboratory for Molecular Medicine, Mass General Brigham Personalized Medicine and OMIM).

NM_001308093.3(GATA4):c.1223C>A (p.Pro408Gln)

Gene: GATA4 (GATA binding protein 4). Cytogenetic location: 8p23.1.
Variant type: single nucleotide variant.
Coding change: c.1223C>A on transcript NM_001308093.3 (MANE Select); coding-DNA position 1223, C replaced by A.
Protein change: p.Pro408Gln; replaces proline 408 with glutamine.
Molecular consequence: missense variant.
Genome position (GRCh38, 1-based): chr8:11,758,366, C>A. VCF-style: chr8-11758366-C-A. GRCh37 (hg19) VCF-style: chr8-11615875-C-A.
Other names: c.602C>A, p.Pro201Gln (NM_001308094.2, NM_001374273.1); c.476C>A, p.Pro159Gln (NM_001374274.1); c.1220C>A, p.Pro407Gln (NM_002052.5); short protein forms P407Q, P201Q, P408Q, P159Q.
Identifiers: ClinVar variation 30103 (VCV000030103.32), dbSNP rs115099192, ClinGen allele CA212683.